The following is an entry in ClinVar:

ClinVar aggregate classification (germline): Likely pathogenic (1 of 4 stars; one submission).

Conditions:
BCS1L-related disorder. Also called: BCS1L-related disorders; BCS1L-related condition. Identifiers: MedGen CN239240.

Submission:

Myriad Genetics, Inc.
Classification: Likely pathogenic for BCS1L-related disorder. Last evaluated: 2022-02-19. Review status: criteria provided, single submitter. Criteria: Myriad Autosomal Dominant, Autosomal Recessive and X-Linked Classification Criteria (2023). Collection method: clinical testing. Allele origin: unknown.
Comment: NM_004328.4(BCS1L):c.522_523delTG(E175Mfs*24) is expected to be pathogenic in the context of BCS1L-related disorders. This variant is predicted to lead to an abnormal or absent protein product due to the creation of a premature termination codon in BCS1L, a gene where loss-of-function variants are known to be pathogenic. Please note: this variant was assessed in the context of healthy population screening.

NM_001079866.2(BCS1L):c.522_523del (p.Glu175fs)

Gene: BCS1L (BCS1 ubiquinol-cytochrome c reductase complex chaperone; plus strand). Cytogenetic location: 2q35.
Variant type: Deletion.
Coding change: c.522_523del on transcript NM_001079866.2 (MANE Select); coding-DNA positions 522 to 523, 2 bases deleted (TG; older notation c.522_523delTG).
Protein change: p.Glu175fs; shifts the reading frame from glutamic acid 175.
Molecular consequence: frameshift variant. On other transcripts: non-coding transcript variant (1).
Genome position (GRCh38, 1-based): chr2:218,661,820-218,661,821, TG deleted. VCF-style (leftmost placement, unchanged base first): chr2-218661819-CTG-C. GRCh37 (hg19) VCF-style: chr2-219526542-CTG-C.
Other names: c.522_523del, p.Glu175fs (NM_001257342.2, NM_001257343.2, NM_001257344.2 and 10 more transcripts); c.162_163del, p.Glu55fs (NM_001318836.2, NM_001371451.1); c.21_22del, p.Glu8fs (NM_001371452.1, NM_001371453.1, NM_001371454.1 and 3 more transcripts); short protein forms E175fs, E55fs, E8fs.
Identifiers: ClinVar variation 1724531 (VCV001724531.3), dbSNP rs2469880171, ClinGen allele CA2580065726.